The following is an entry in ClinVar:

NM_000238.4(KCNH2):c.545C>G (p.Ser182Trp)

Gene: KCNH2 (potassium voltage-gated channel subfamily H member 2; minus strand). Cytogenetic location: 7q36.1.
Variant type: single nucleotide variant.
Coding change: c.545C>G on transcript NM_000238.4 (MANE Select); coding-DNA position 545, C replaced by G.
Protein change: p.Ser182Trp; replaces serine 182 with tryptophan.
Molecular consequence: missense variant.
Genome position (GRCh38, 1-based): chr7:150,958,430, G>C on the plus strand (C>G on the coding strand, the complement: KCNH2 is on the minus strand). VCF-style: chr7-150958430-G-C. GRCh37 (hg19) VCF-style: chr7-150655518-G-C.
Other names: c.257C>G, p.Ser86Trp (NM_001406753.1, NM_001406756.1); c.368C>G, p.Ser123Trp (NM_001406755.1); c.245C>G, p.Ser82Trp (NM_001406757.1); c.545C>G, p.Ser182Trp (NM_172056.3); short protein forms S182W, S123W, S82W, S86W.
Identifiers: ClinVar variation 405351 (VCV000405351.15), dbSNP rs1057517742, ClinGen allele CA16612317.

ClinVar aggregate classification (germline): Uncertain significance. Review status: criteria provided, multiple submitters, no conflicts (2 of 4 stars). 2 submissions from 2 submitters: Uncertain significance (2). Last evaluated 2019-06-24.

Conditions:
Long QT syndrome (LQTS). Identifiers: MedGen C0023976, MeSH D008133, MONDO:0002442. Disease mechanism: loss of function. Inheritance: Various modes of inheritance.

gnomAD v4.1: 1 of 1,457,128 alleles (0.000069%); highest among the groups gnomAD compares: Non-Finnish European, 0.00009%; no homozygotes.

Submissions (2):

Labcorp Genetics (formerly Invitae), Labcorp
Classification: Uncertain significance for Long QT syndrome. Last evaluated: 2019-06-24. Review status: criteria provided, single submitter. Criteria: Invitae Variant Classification Sherloc (09022015). Collection method: clinical testing. Allele origin: germline.
Comment: In summary, this variant is a novel missense change with uncertain impact on protein function. It has been classified as a Variant of Uncertain Significance. Algorithms developed to predict the effect of missense changes on protein structure and function do not agree on the potential impact of this missense change (SIFT: "Deleterious"; PolyPhen-2: "Possibly Damaging"; Align-GVGD: "Class C0"). While this variant is not present in population databases (ExAC no frequency), the frequency information is unreliable, as metrics indicate poor data quality at this position in the ExAC database. This variant has not been reported in the literature in an individual with a KCNH2-related disease. This sequence change replaces serine with tryptophan at codon 182 of the KCNH2 protein (p.Ser182Trp). The serine residue is weakly conserved and there is a large physicochemical difference between serine and tryptophan.

Stanford Center for Inherited Cardiovascular Disease, Stanford University
Classification: Uncertain significance. Last evaluated: 2016-09-19. Review status: criteria provided, single submitter. Criteria: ACMG Guidelines, 2015. Collection method: provider interpretation. Allele origin: germline.